The following is an entry in ClinVar:

ClinVar aggregate classification (germline): Likely benign (0 of 4 stars; one submission).

Conditions:
ADH7-related disorder. Also called: ADH7-related condition.

Allele frequency attached by ClinVar (database versions not stated): 1000 Genomes Project 30x 0.00062; 1000 Genomes Project 0.00080; gnomAD 0.00107; ESP Exome Variant Server 0.00138.
gnomAD v4.1: 363 of 1,610,322 alleles (0.023%); highest among the groups gnomAD compares: African/African-American, 0.42%; 2 homozygotes.

Submission:

PreventionGenetics, part of Exact Sciences
Classification: Likely benign for ADH7-related condition. Last evaluated: 2022-05-31. Review status: no assertion criteria provided. Collection method: clinical testing. Allele origin: germline.
Comment: This variant is classified as likely benign based on ACMG/AMP sequence variant interpretation guidelines (Richards et al. 2015 PMID: 25741868, with internal and published modifications).

NM_000673.7(ADH7):c.113G>A (p.Arg38His)

Gene: ADH7 (alcohol dehydrogenase 7 (class IV), mu or sigma polypeptide; minus strand). Cytogenetic location: 4q23.
Variant type: single nucleotide variant.
Coding change: c.113G>A on transcript NM_000673.7 (MANE Select); coding-DNA position 113, G replaced by A.
Protein change: p.Arg38His; replaces arginine 38 with histidine.
Molecular consequence: missense variant.
Genome position (GRCh38, 1-based): chr4:99,429,539, C>T on the plus strand (G>A on the coding strand, the complement: ADH7 is on the minus strand). VCF-style: chr4-99429539-C-T. GRCh37 (hg19) VCF-style: chr4-100350696-C-T.
Other names: c.173G>A, p.Arg58His (NM_001166504.2); short protein forms R38H, R58H.
Identifiers: ClinVar variation 3044463 (VCV003044463.2), dbSNP rs148026590, ClinGen allele CA3020947.